The following is an entry in ClinVar:

ClinVar aggregate classification (germline): Uncertain significance (1 of 4 stars; one submission).

Submission:

Labcorp Genetics (formerly Invitae), Labcorp
Classification: Uncertain significance. Last evaluated: 2022-04-19. Review status: criteria provided, single submitter. Criteria: Invitae Variant Classification Sherloc (09022015). Collection method: clinical testing. Allele origin: germline.
Comment: This sequence change replaces leucine, which is neutral and non-polar, with proline, which is neutral and non-polar, at codon 416 of the GZF1 protein (p.Leu416Pro). In summary, the available evidence is currently insufficient to determine the role of this variant in disease. Therefore, it has been classified as a Variant of Uncertain Significance. Algorithms developed to predict the effect of missense changes on protein structure and function are either unavailable or do not agree on the potential impact of this missense change (SIFT: "Not Available"; PolyPhen-2: "Probably Damaging"; Align-GVGD: "Not Available"). This variant has not been reported in the literature in individuals affected with GZF1-related conditions. This variant is not present in population databases (gnomAD no frequency).

NM_022482.5(GZF1):c.1247T>C (p.Leu416Pro)

Gene: GZF1 (GDNF inducible zinc finger protein 1; plus strand). Cytogenetic location: 20p11.21.
Variant type: single nucleotide variant.
Coding change: c.1247T>C on transcript NM_022482.5 (MANE Select); coding-DNA position 1247, T replaced by C.
Protein change: p.Leu416Pro; replaces leucine 416 with proline.
Molecular consequence: missense variant.
Genome position (GRCh38, 1-based): chr20:23,365,630, T>C. VCF-style: chr20-23365630-T-C. GRCh37 (hg19) VCF-style: chr20-23346267-T-C.
Other names: c.1247T>C, p.Leu416Pro (NM_001317012.2, NM_001317019.1); short protein forms L416P.
Identifiers: ClinVar variation 2093630 (VCV002093630.4), dbSNP rs769351772, ClinGen allele CA408411376.